The following is an entry in ClinVar:

NM_001366722.1(GRIP1):c.201G>C (p.Thr67=)

Gene: GRIP1 (glutamate receptor interacting protein 1; minus strand). Cytogenetic location: 12q14.3.
Variant type: single nucleotide variant.
Coding change: c.201G>C on transcript NM_001366722.1 (MANE Select); coding-DNA position 201, G replaced by C.
Protein change: p.Thr67=; no amino-acid change (threonine 67 retained).
Molecular consequence: synonymous variant.
Genome position (GRCh38, 1-based): chr12:66,541,886, C>G on the plus strand (G>C on the coding strand, the complement: GRIP1 is on the minus strand). VCF-style: chr12-66541886-C-G. GRCh37 (hg19) VCF-style: chr12-66935666-C-G.
Other names: c.201G>C, p.Thr67= (NM_001178074.2, NM_001379346.1, NM_021150.4); c.279G>C, p.Thr93= (NM_001366723.1, NM_001366724.1, NM_001379345.1 and 2 more transcripts); c.204G>C, p.Thr68= (NM_001379349.1, NM_001379351.1).
Identifiers: ClinVar variation 2879455 (VCV002879455.4), dbSNP rs1039084362, ClinGen allele CA480703168.

ClinVar aggregate classification (germline): Likely benign. Review status: criteria provided, multiple submitters, no conflicts (2 of 4 stars). 2 submissions from 2 submitters: Likely benign (2). Last evaluated 2026-07-01.

gnomAD v4.1: 3 of 1,613,912 alleles (0.00019%); highest among the groups gnomAD compares: Admixed American, 0.005%; no homozygotes.

Submissions (2):

CeGaT Center for Human Genetics Tuebingen
Classification: Likely benign. Last evaluated: 2026-07-01. Review status: criteria provided, single submitter. Criteria: CeGaT Center For Human Genetics Tuebingen Variant Classification Criteria Version 2. Collection method: clinical testing. Allele origin: germline. Affected: yes. Observed: 1 variant allele.
Comment: GRIP1: BP4, BP7

Labcorp Genetics (formerly Invitae), Labcorp
Classification: Likely benign. Last evaluated: 2024-02-04. Review status: criteria provided, single submitter. Criteria: Invitae Variant Classification Sherloc (09022015). Collection method: clinical testing. Allele origin: germline.